The following is an entry in ClinVar:

NM_199420.4(POLQ):c.2138T>C (p.Met713Thr)

Gene: POLQ (DNA polymerase theta; minus strand). Cytogenetic location: 3q13.33.
Variant type: single nucleotide variant.
Coding change: c.2138T>C on transcript NM_199420.4 (MANE Select); coding-DNA position 2138, T replaced by C.
Protein change: p.Met713Thr; replaces methionine 713 with threonine.
Molecular consequence: missense variant.
Genome position (GRCh38, 1-based): chr3:121,498,492, A>G on the plus strand (T>C on the coding strand, the complement: POLQ is on the minus strand). VCF-style: chr3-121498492-A-G. GRCh37 (hg19) VCF-style: chr3-121217339-A-G.
Other names: short protein forms M713T.
Identifiers: ClinVar variation 2563815 (VCV002563815.2), dbSNP rs748808317, ClinGen allele CA2563367.

ClinVar aggregate classification (germline): Uncertain significance (1 of 4 stars; one submission).

Allele frequency attached by ClinVar (database versions not stated): ExAC 0.00001; TOPMed 0.00001.

Submission:

Ambry Genetics
Classification: Uncertain significance. Last evaluated: 2023-04-28. Review status: criteria provided, single submitter. Criteria: Ambry Variant Classification Scheme 2023. Collection method: clinical testing. Allele origin: germline.
Comment: The p.M713T variant (also known as c.2138T>C), located in coding exon 13 of the POLQ gene, results from a T to C substitution at nucleotide position 2138. The methionine at codon 713 is replaced by threonine, an amino acid with similar properties. This amino acid position is conserved. In addition, the in silico prediction for this alteration is inconclusive. Since supporting evidence is limited at this time, the clinical significance of this alteration remains unclear.